The following is an entry in ClinVar:

ClinVar aggregate classification (germline): Uncertain significance (1 of 4 stars; one submission).

Conditions:
TNF receptor-associated periodic fever syndrome (TRAPS) (FPF). Also called: FAMILIAL HIBERNIAN FEVER; TNF RECEPTOR-ASSOCIATED PERIODIC SYNDROME; TUMOR NECROSIS FACTOR RECEPTOR-ASSOCIATED PERIODIC SYNDROME; Autosomal Dominant Familial Periodic Fever; TNF Receptor-Associated Periodic Fever Syndrome; TNF receptor 1-associated periodic fever syndrome. Identifiers: Orphanet 32960, MedGen C1275126, MONDO:0007727, OMIM 142680.

gnomAD v4.1: 1 of 1,593,504 alleles (0.000063%); highest among the groups gnomAD compares: Non-Finnish European, 0.000085%; no homozygotes.

Submission:

Labcorp Genetics (formerly Invitae), Labcorp
Classification: Uncertain significance for TNF receptor-associated periodic fever syndrome (TRAPS). Last evaluated: 2025-01-08. Review status: criteria provided, single submitter. Criteria: Invitae Variant Classification Sherloc (09022015). Collection method: clinical testing. Allele origin: germline.
Comment: This sequence change replaces alanine, which is neutral and non-polar, with valine, which is neutral and non-polar, at codon 321 of the TNFRSF1A protein (p.Ala321Val). This variant is not present in population databases (gnomAD no frequency). This variant has not been reported in the literature in individuals affected with TNFRSF1A-related conditions. Invitae Evidence Modeling of protein sequence and biophysical properties (such as structural, functional, and spatial information, amino acid conservation, physicochemical variation, residue mobility, and thermodynamic stability) has been performed for this missense variant. However, the output from this modeling did not meet the statistical confidence thresholds required to predict the impact of this variant on TNFRSF1A protein function. In summary, the available evidence is currently insufficient to determine the role of this variant in disease. Therefore, it has been classified as a Variant of Uncertain Significance.

NM_001065.4(TNFRSF1A):c.962C>T (p.Ala321Val)

Gene: TNFRSF1A (TNF receptor superfamily member 1A; minus strand). Cytogenetic location: 12p13.31.
Variant type: single nucleotide variant.
Coding change: c.962C>T on transcript NM_001065.4 (MANE Select); coding-DNA position 962, C replaced by T.
Protein change: p.Ala321Val; replaces alanine 321 with valine.
Molecular consequence: missense variant. On other transcripts: non-coding transcript variant (1).
Genome position (GRCh38, 1-based): chr12:6,329,873, G>A on the plus strand (C>T on the coding strand, the complement: TNFRSF1A is on the minus strand). VCF-style: chr12-6329873-G-A. GRCh37 (hg19) VCF-style: chr12-6439039-G-A.
Other names: c.638C>T, p.Ala213Val (NM_001346091.2); c.503C>T, p.Ala168Val (NM_001346092.2); short protein forms A213V, A321V, A168V.
Identifiers: ClinVar variation 3635057 (VCV003635057.2).